The following is an entry in ClinVar:

ClinVar aggregate classification (germline): Pathogenic/Likely pathogenic. Review status: criteria provided, multiple submitters, no conflicts (2 of 4 stars). 2 submissions from 2 submitters: Pathogenic (1); Likely pathogenic (1). Last evaluated 2025-11-30.

Conditions:
Cohen syndrome (COH1). Also called: PEPPER SYNDROME; Cutis verticis gyrata, retinitis pigmentosa, and sensorineural deafness. Identifiers: Orphanet 193, MedGen C0265223, MONDO:0008999, OMIM 216550.

Submissions (2):

Natera, Inc.
Classification: Likely pathogenic for Cohen syndrome. Last evaluated: 2025-11-30. Review status: criteria provided, single submitter. Criteria: Natera Variant Classification Schema (03/2026). Collection method: clinical testing. Allele origin: germline.
Comment: The c.6909dupG variant in VPS13B is a frameshift variant predicted to shift the reading frame beginning at codon 2304 and leads to a stop codon 11 codons downstream. This variant is expected to result in nonsense mediated decay, truncation, or a dysfunctional protein product. This variant is rare in the general population with a frequency below the threshold expected for the associated phenotype(s). Given the available evidence, this variant is classified as Likely Pathogenic.

Labcorp Genetics (formerly Invitae), Labcorp
Classification: Pathogenic for Cohen syndrome. Last evaluated: 2023-02-05. Review status: criteria provided, single submitter. Criteria: Invitae Variant Classification Sherloc (09022015). Collection method: clinical testing. Allele origin: germline.
Comment: This sequence change creates a premature translational stop signal (p.Thr2304Aspfs*11) in the VPS13B gene. It is expected to result in an absent or disrupted protein product. Loss-of-function variants in VPS13B are known to be pathogenic (PMID: 15141358, 16648375, 20461111). This variant is not present in population databases (gnomAD no frequency). This variant has not been reported in the literature in individuals affected with VPS13B-related conditions. For these reasons, this variant has been classified as Pathogenic.

Literature cited by the submitters: PubMed 15141358 (cited by Labcorp Genetics (formerly Invitae), Labcorp); PubMed 16648375 (cited by Labcorp Genetics (formerly Invitae), Labcorp); PubMed 20461111 (cited by Labcorp Genetics (formerly Invitae), Labcorp).

NM_152564.5(VPS13B):c.6834dup (p.Thr2279fs)

Gene: VPS13B (vacuolar protein sorting 13 homolog B; plus strand). Cytogenetic location: 8q22.2.
Variant type: Duplication.
Coding change: c.6834dup on transcript NM_152564.5 (MANE Select); coding-DNA position 6834, one base duplicated (G; older notation c.6834dupG).
Protein change: p.Thr2279fs; shifts the reading frame from threonine 2279.
Molecular consequence: frameshift variant.
Genome position (GRCh38, 1-based): chr8:99,720,521, G duplicated; the last of 2 consecutive G bases (chr8:99,720,520-99,720,521); duplicating either gives the same sequence. VCF-style (leftmost placement, unchanged base first): chr8-99720519-C-CG. GRCh37 (hg19) VCF-style: chr8-100732747-C-CG.
Other names: c.6909dupG (NM_017890.4); c.6909dup, p.Thr2304fs (NM_017890.5); short protein forms T2279fs, T2304fs.
Identifiers: ClinVar variation 2994238 (VCV002994238.4), dbSNP rs2491577873, ClinGen allele CA2516127681.